The following is an entry in ClinVar:

NM_017415.3(KLHL3):c.*2080A>C

Gene: KLHL3 (kelch like family member 3; minus strand). Cytogenetic location: 5q31.2.
Variant type: single nucleotide variant.
Coding change: c.*2080A>C on transcript NM_017415.3 (MANE Select); 2080 bases downstream of the stop codon, A replaced by C.
Molecular consequence: 3 prime UTR variant.
Genome position (GRCh38, 1-based): chr5:137,620,018, T>G on the plus strand (A>C on the coding strand, the complement: KLHL3 is on the minus strand). VCF-style: chr5-137620018-T-G. GRCh37 (hg19) VCF-style: chr5-136955707-T-G.
Other names: c.*2080A>C (NM_001257194.1, NM_001257195.2).
Identifiers: ClinVar variation 350956 (VCV000350956.6), dbSNP rs3813318, ClinGen allele CA10622778.

ClinVar aggregate classification (germline): Benign (1 of 4 stars; one submission).

Conditions:
Pseudohypoaldosteronism type 2D (PHA2D). Also called: FAMILIAL HYPERKALEMIC HYPERTENSION; PSEUDOHYPOALDOSTERONISM, TYPE IID, AUTOSOMAL DOMINANT OR RECESSIVE; Pseudohypoaldosteronism Type IID. Identifiers: Orphanet 300525, Orphanet 757, MedGen C3469605, MONDO:0013781, OMIM 614495.

Allele frequency attached by ClinVar (database versions not stated): 1000 Genomes Project 30x 0.12242; 1000 Genomes Project 0.12360; TOPMed 0.17601; gnomAD 0.18554 and 0.18814; gnomAD exomes 0.25641.
gnomAD v4.1: 28,368 of 151,844 alleles (19%); highest among the groups gnomAD compares: Non-Finnish European, 26%; 3,435 homozygotes.

Submission:

Illumina Laboratory Services, Illumina
Classification: Benign for Pseudohypoaldosteronism type 2D. Last evaluated: 2018-01-12. Review status: criteria provided, single submitter. Criteria: ICSL Variant Classification Criteria 13 December 2019. Collection method: clinical testing. Allele origin: germline.
Comment: This variant was observed in the ICSL laboratory as part of a predisposition screen in an ostensibly healthy population. It had not been previously curated by ICSL or reported in the Human Gene Mutation Database (HGMD: prior to June 1st, 2018), and was therefore a candidate for classification through an automated scoring system. Utilizing variant allele frequency, disease prevalence and penetrance estimates, and inheritance mode, an automated score was calculated to assess if this variant is too frequent to cause the disease. Based on the score and internal cut-off values, a variant classified as benign is not then subjected to further curation. The score for this variant resulted in a classification of benign for this disease.